The following is an entry in ClinVar:

NM_005006.7(NDUFS1):c.933A>G (p.Lys311=)

Gene: NDUFS1 (NADH:ubiquinone oxidoreductase core subunit S1; minus strand). Cytogenetic location: 2q33.3.
Variant type: single nucleotide variant.
Coding change: c.933A>G on transcript NM_005006.7 (MANE Select); coding-DNA position 933, A replaced by G.
Protein change: p.Lys311=; no amino-acid change (lysine 311 retained).
Molecular consequence: synonymous variant.
Genome position (GRCh38, 1-based): chr2:206,144,072, T>C on the plus strand (A>G on the coding strand, the complement: NDUFS1 is on the minus strand). VCF-style: chr2-206144072-T-C. GRCh37 (hg19) VCF-style: chr2-207008796-T-C.
Other names: c.825A>G, p.Lys275= (NM_001199981.2); c.600A>G, p.Lys200= (NM_001199982.2); c.762A>G, p.Lys254= (NM_001199983.2); c.975A>G, p.Lys325= (NM_001199984.2).
Identifiers: ClinVar variation 388247 (VCV000388247.1), dbSNP rs1057523041, ClinGen allele CA16604100.

ClinVar aggregate classification (germline): Likely benign (1 of 4 stars; one submission).

Submission:

GeneDx
Classification: Likely benign. Last evaluated: 2016-08-09. Review status: criteria provided, single submitter. Criteria: GeneDx Variant Classification (06012015). Collection method: clinical testing. Allele origin: germline. Affected: yes.
Comment: This variant is considered likely benign or benign based on one or more of the following criteria: it is a conservative change, it occurs at a poorly conserved position in the protein, it is predicted to be benign by multiple in silico algorithms, and/or has population frequency not consistent with disease.